The following is an entry in ClinVar:

NM_000474.4(TWIST1):c.338_339dup (p.Asn114fs)

Gene: TWIST1 (twist family bHLH transcription factor 1; minus strand). Cytogenetic location: 7p21.1.
Variant type: Duplication.
Coding change: c.338_339dup on transcript NM_000474.4 (MANE Select); coding-DNA positions 338 to 339, 2 bases duplicated (CC; older notation c.338_339dupCC).
Protein change: p.Asn114fs; shifts the reading frame from asparagine 114.
Molecular consequence: frameshift variant. On other transcripts: non-coding transcript variant (1).
Genome position (GRCh38, 1-based): chr7:19,116,983-19,116,984, GG duplicated on the plus strand (CC on the coding strand, the reverse complement: TWIST1 is on the minus strand). VCF-style (leftmost placement, unchanged base first): chr7-19116982-T-TGG. GRCh37 (hg19) VCF-style: chr7-19156605-T-TGG.
Other names: short protein forms N114fs.
Identifiers: ClinVar variation 1451820 (VCV001451820.8), dbSNP rs2115396782, ClinGen allele CA2573142039.
Genomic context (GRCh38, chr7:19,116,982, plus strand): 5'-TCTTCCGCAGCGCGGCGAACGCCTCGTTCAGCGACTGGGTGCGCTGGCGCTCCCGCACGT[T>TGG]GGCCATGACCCGCTGCGTCTGCAGCTCCTCGTAAGACTGCGGACTCCCGCCGCCGCTGCT-3'

ClinVar aggregate classification (germline): Pathogenic (1 of 4 stars; one submission).

Conditions:
TWIST1-related craniosynostosis (CRS1). Also called: CRANIOSYNOSTOSIS 1. Identifiers: Orphanet 63440, MedGen C4551902, MONDO:0007399, OMIM 123100. Inheritance: Heterogenous inheritance pattern.
Saethre-Chotzen syndrome (SCS). Also called: CHOTZEN SYNDROME; ACROCEPHALY, SKULL ASYMMETRY, AND MILD SYNDACTYLY; ACS III. Identifiers: Orphanet 794, MedGen C0175699, MONDO:0007042, OMIM 101400.

Submission:

Labcorp Genetics (formerly Invitae), Labcorp
Classification: Pathogenic for TWIST1-related craniosynostosis; Saethre-Chotzen syndrome. Last evaluated: 2021-02-18. Review status: criteria provided, single submitter. Criteria: Invitae Variant Classification Sherloc (09022015). Collection method: clinical testing. Allele origin: germline.
Comment: For these reasons, this variant has been classified as Pathogenic. This variant has been observed in individual(s) with Saethre-Chotzen syndrome (PMID: 19952666). This variant is also known as 339insCC in the literature. This variant is not present in population databases (ExAC no frequency). This sequence change creates a premature translational stop signal (p.Asn114Profs*12) in the TWIST1 gene. It is expected to result in an absent or disrupted protein product. Loss-of-function variants in TWIST1 are known to be pathogenic (PMID: 10749989).

Literature cited by the submitters: PubMed 19952666; PubMed 10749989.